The following is an entry in ClinVar:

ClinVar aggregate classification (germline): Pathogenic/Likely pathogenic. Review status: criteria provided, multiple submitters, no conflicts (2 of 4 stars). 11 submissions from 11 submitters: Pathogenic (8); Likely pathogenic (1). 2 of the submissions do not count toward it. Last evaluated 2025-11-12.

Conditions:
PALB2-related disorder. Also called: PALB2-related condition; PALB2-related disorders.
Hereditary cancer-predisposing syndrome. Also called: Tumor predisposition; Hereditary Cancer Syndrome; Hereditary neoplastic syndrome; Neoplastic Syndromes, Hereditary. Identifiers: Orphanet 140162, MedGen C0027672, MeSH D009386, MONDO:0015356.
Hereditary breast ovarian cancer syndrome. Also called: Breast and ovarian cancer; Hereditary breast and ovarian cancer; Hereditary breast and/or ovarian cancer syndrome; BRCA1- and BRCA2-Associated Hereditary Breast and Ovarian Cancer; Hereditary breast and ovarian cancer syndrome (HBOC); Hereditary breast and ovarian cancer syndrome. Identifiers: Orphanet 145, MedGen C0677776, MeSH D061325, MONDO:0003582. Disease mechanism: loss of function.
Familial cancer of breast. Also called: BREAST CANCER, FAMILIAL; Hereditary breast cancer; hereditary breast carcinoma. Identifiers: Orphanet 227535, MedGen C0346153, MONDO:0016419, OMIM 114480. Disease mechanism: loss of function.

Submissions (11):

GeneDx
Classification: Pathogenic. Last evaluated: 2025-11-12. Review status: criteria provided, single submitter. Criteria: GeneDx Variant Classification Process June 2021. Collection method: clinical testing. Allele origin: germline. Affected: yes.
Comment: Nonsense variant predicted to result in protein truncation or nonsense mediated decay in a gene for which loss of function is a known mechanism of disease; Not observed at significant frequency in large population cohorts (gnomAD); Truncating variants in this gene are considered pathogenic by a well-established clinical consortium and/or database; This variant is associated with the following publications: (PMID: 35017683, 37563628, 31841383, 38781545, 29522266)

Center for Genomic Medicine, Rigshospitalet, Copenhagen University Hospital
Classification: Pathogenic. Last evaluated: 2025-03-04. Review status: criteria provided, single submitter. Criteria: ACMG Guidelines, 2015. Collection method: clinical testing. Allele origin: germline.

Labcorp Genetics (formerly Invitae), Labcorp
Classification: Pathogenic for Familial cancer of breast. Last evaluated: 2024-12-18. Review status: criteria provided, single submitter. Criteria: Invitae Variant Classification Sherloc (09022015). Collection method: clinical testing. Allele origin: germline.
Comment: This sequence change creates a premature translational stop signal (p.Trp575*) in the PALB2 gene. It is expected to result in an absent or disrupted protein product. Loss-of-function variants in PALB2 are known to be pathogenic (PMID: 17200668, 17200671, 17200672, 24136930, 25099575). This variant is not present in population databases (gnomAD no frequency). This premature translational stop signal has been observed in individual(s) with breast cancer (PMID: 31841383). ClinVar contains an entry for this variant (Variation ID: 182754). Algorithms developed to predict the effect of sequence changes on RNA splicing suggest that this variant may create or strengthen a splice site. For these reasons, this variant has been classified as Pathogenic.

Ambry Genetics
Classification: Pathogenic for Hereditary cancer-predisposing syndrome. Last evaluated: 2023-09-26. Review status: criteria provided, single submitter. Criteria: Ambry Variant Classification Scheme 2023. Collection method: clinical testing. Allele origin: germline.
Comment: The p.W575* pathogenic mutation (also known as c.1724G>A), located in coding exon 5 of the PALB2 gene, results from a G to A substitution at nucleotide position 1724. This changes the amino acid from a tryptophan to a stop codon within coding exon 5. This variant is considered to be rare based on population cohorts in the Genome Aggregation Database (gnomAD). This alteration is expected to result in loss of function by premature protein truncation or nonsense-mediated mRNA decay. As such, this alteration is interpreted as a disease-causing mutation.

Myriad Genetics, Inc.
Classification: Pathogenic for Familial cancer of breast. Last evaluated: 2023-09-11. Review status: criteria provided, single submitter. Criteria: Myriad Autosomal Dominant, Autosomal Recessive and X-Linked Classification Criteria (2023). Collection method: clinical testing. Allele origin: unknown.
Comment: This variant is considered pathogenic. This variant creates a termination codon and is predicted to result in premature protein truncation.

Clinical Genetics Laboratory, Skane University Hospital Lund
Classification: Pathogenic. Last evaluated: 2023-08-02. Review status: criteria provided, single submitter. Criteria: ACMG Guidelines, 2015. Collection method: clinical testing. Allele origin: germline. Affected: yes.

Color Diagnostics, LLC DBA Color Health
Classification: Pathogenic for Hereditary cancer-predisposing syndrome. Last evaluated: 2021-06-02. Review status: criteria provided, single submitter. Criteria: ACMG Guidelines, 2015. Collection method: clinical testing. Allele origin: germline.
Comment: This variant changes 1 nucleotide in exon 5 of the PALB2 gene, creating a premature translation stop signal. This variant is expected to result in an absent or non-functional protein product. This variant has been reported in at least one individual affected with breast cancer (PMID: 31841383, 33471991; Leiden Open Variation Database DB-ID PALB2_010985). This variant has not been identified in the general population by the Genome Aggregation Database (gnomAD). Loss of PALB2 function is a known mechanism of disease. Based on the available evidence, this variant is classified as Pathogenic.

Baylor Genetics
Classification: Likely pathogenic for Familial cancer of breast. Last evaluated: 2021-04-17. Review status: criteria provided, single submitter. Criteria: ACMG Guidelines, 2015. Collection method: clinical testing. Allele origin: unknown.

Revvity Omics, Revvity
Classification: Pathogenic. Last evaluated: 2019-04-23. Review status: criteria provided, single submitter. Criteria: ACMG Guidelines, 2015. Collection method: clinical testing. Allele origin: germline.

PreventionGenetics, part of Exact Sciences
Classification: Pathogenic for PALB2-related condition. Last evaluated: 2024-04-30. Review status: no assertion criteria provided. Collection method: clinical testing. Allele origin: germline. Not counted in ClinVar's aggregate classification.
Comment: The PALB2 c.1724G>A variant is predicted to result in premature protein termination (p.Trp575*). This variant has been reported in individual(s) with breast cancer (example, S Table 5. Yang et al 2020. PubMed ID: 31841383). This variant has not been reported in a large population database, indicating this variant is rare. This variant is interpreted as pathogenic and likely pathogenic in ClinVar. Nonsense variants in PALB2 are expected to be pathogenic. This variant is interpreted as pathogenic.

BRCAlab, Lund University
Classification: Pathogenic for Hereditary breast ovarian cancer syndrome. Last evaluated: 2022-08-26. Review status: no assertion criteria provided. Collection method: clinical testing. Allele origin: germline. Affected: yes. Not counted in ClinVar's aggregate classification.

Literature cited by the submitters: PubMed 31841383 (cited by Center for Genomic Medicine, Rigshospitalet, Copenhagen University Hospital and Labcorp Genetics (formerly Invitae), Labcorp); PubMed 17200668 (cited by Labcorp Genetics (formerly Invitae), Labcorp); PubMed 17200671 (cited by Labcorp Genetics (formerly Invitae), Labcorp); PubMed 17200672 (cited by Labcorp Genetics (formerly Invitae), Labcorp); PubMed 24136930 (cited by Labcorp Genetics (formerly Invitae), Labcorp); PubMed 25099575 (cited by Labcorp Genetics (formerly Invitae), Labcorp).

NM_024675.4(PALB2):c.1724G>A (p.Trp575Ter)

Gene: PALB2 (partner and localizer of BRCA2; minus strand). Cytogenetic location: 16p12.2.
Variant type: single nucleotide variant.
Coding change: c.1724G>A on transcript NM_024675.4 (MANE Select); coding-DNA position 1724, G replaced by A.
Protein change: p.Trp575Ter; replaces tryptophan 575 with a stop codon.
Molecular consequence: nonsense.
Genome position (GRCh38, 1-based): chr16:23,630,430, C>T on the plus strand (G>A on the coding strand, the complement: PALB2 is on the minus strand). VCF-style: chr16-23630430-C-T. GRCh37 (hg19) VCF-style: chr16-23641751-C-T.
Other names: p.W575*:TGG>TAG; short protein forms W575*.
Identifiers: ClinVar variation 182754 (VCV000182754.47), dbSNP rs730881876, ClinGen allele CA299691.
Genomic context (GRCh38, chr16:23,630,430, plus strand): 5'-TCCCTATGAAATGGAGCCGTGAAAGCATCATCATCCAAGGATAAATAAGCACTATTACTC[C>T]AAGAAAGGGAATCCTCTTTTTGATGACGACTTTTCTTCCCTAAAGAAGAAAAATAAGTCA-3'